The following is an entry in ClinVar:

NM_001572.5(IRF7):c.445C>T (p.Pro149Ser)

Gene: IRF7 (interferon regulatory factor 7; minus strand). Cytogenetic location: 11p15.5.
Variant type: single nucleotide variant.
Coding change: c.445C>T on transcript NM_001572.5 (MANE Select); coding-DNA position 445, C replaced by T.
Protein change: p.Pro149Ser; replaces proline 149 with serine.
Molecular consequence: missense variant.
Genome position (GRCh38, 1-based): chr11:614,484, G>A on the plus strand (C>T on the coding strand, the complement: IRF7 is on the minus strand). VCF-style: chr11-614484-G-A. GRCh37 (hg19) VCF-style: chr11-614484-G-A.
Other names: c.445C>T, p.Pro149Ser (NM_004029.4); c.484C>T, p.Pro162Ser (NM_004031.4); short protein forms P149S, P162S.
Identifiers: ClinVar variation 834959 (VCV000834959.10), dbSNP rs375139815, ClinGen allele CA216912430.

ClinVar aggregate classification (germline): Uncertain significance. Review status: criteria provided, multiple submitters, no conflicts (2 of 4 stars). 2 submissions from 2 submitters: Uncertain significance (2). Last evaluated 2025-04-10.

Conditions:
Immunodeficiency 39 (IMD39). Identifiers: Orphanet 574918, MedGen C4225358, MONDO:0014597, OMIM 616345.

Allele frequency attached by ClinVar (database versions not stated): gnomAD exomes below 0.00001; TOPMed below 0.00001; ESP Exome Variant Server 0.00008.
gnomAD v4.1: 1 of 1,565,186 alleles (0.000064%); highest among the groups gnomAD compares: South Asian, 0.0012%; no homozygotes.

Submissions (2):

Ambry Genetics
Classification: Uncertain significance. Last evaluated: 2025-04-10. Review status: criteria provided, single submitter. Criteria: Ambry Variant Classification Scheme 2023. Collection method: clinical testing. Allele origin: germline.

Labcorp Genetics (formerly Invitae), Labcorp
Classification: Uncertain significance for Immunodeficiency 39. Last evaluated: 2020-06-20. Review status: criteria provided, single submitter. Criteria: Invitae Variant Classification Sherloc (09022015). Collection method: clinical testing. Allele origin: germline.
Comment: In summary, the available evidence is currently insufficient to determine the role of this variant in disease. Therefore, it has been classified as a Variant of Uncertain Significance. Algorithms developed to predict the effect of missense changes on protein structure and function output the following: SIFT: "Tolerated"; PolyPhen-2: "Probably Damaging"; Align-GVGD: "Class C0". The serine amino acid residue is found in multiple mammalian species, suggesting that this missense change does not adversely affect protein function. These predictions have not been confirmed by published functional studies and their clinical significance is uncertain. This variant has not been reported in the literature in individuals with IRF7-related conditions. This variant is not present in population databases (ExAC no frequency). This sequence change replaces proline with serine at codon 162 of the IRF7 protein (p.Pro162Ser). The proline residue is moderately conserved and there is a moderate physicochemical difference between proline and serine.